The following is an entry in ClinVar:

ClinVar aggregate classification (germline): Uncertain significance (1 of 4 stars; one submission).

Conditions:
MHC class II deficiency. Also called: BLS, TYPE II; Bare lymphocyte syndrome 2. Identifiers: Orphanet 572, MedGen C5447452, MONDO:0008855.

Submission:

Labcorp Genetics (formerly Invitae), Labcorp
Classification: Uncertain significance for MHC class II deficiency. Last evaluated: 2024-10-16. Review status: criteria provided, single submitter. Criteria: Invitae Variant Classification Sherloc (09022015). Collection method: clinical testing. Allele origin: germline.
Comment: This sequence change replaces serine, which is neutral and polar, with threonine, which is neutral and polar, at codon 924 of the CIITA protein (p.Ser924Thr). This variant is not present in population databases (gnomAD no frequency). This variant has not been reported in the literature in individuals affected with CIITA-related conditions. ClinVar contains an entry for this variant (Variation ID: 1437133). An algorithm developed to predict the effect of missense changes on protein structure and function outputs the following: PolyPhen-2: "Benign". The threonine amino acid residue is found in multiple mammalian species, which suggests that this missense change does not adversely affect protein function. In summary, the available evidence is currently insufficient to determine the role of this variant in disease. Therefore, it has been classified as a Variant of Uncertain Significance.

NM_000246.4(CIITA):c.2770T>A (p.Ser924Thr)

Gene: CIITA (class II major histocompatibility complex transactivator; plus strand). Cytogenetic location: 16p13.13.
Variant type: single nucleotide variant.
Coding change: c.2770T>A on transcript NM_000246.4 (MANE Select); coding-DNA position 2770, T replaced by A.
Protein change: p.Ser924Thr; replaces serine 924 with threonine.
Molecular consequence: missense variant.
Genome position (GRCh38, 1-based): chr16:10,909,141, T>A. VCF-style: chr16-10909141-T-A. GRCh37 (hg19) VCF-style: chr16-11002998-T-A.
Other names: c.2773T>A, p.Ser925Thr (NM_001286402.1, NM_001379332.1); c.1018T>A, p.Ser340Thr (NM_001286403.2); c.2626T>A, p.Ser876Thr (NM_001379330.1); c.2623T>A, p.Ser875Thr (NM_001379331.1); c.2770T>A, p.Ser924Thr (NM_001379333.1); c.2701T>A, p.Ser901Thr (NM_001379334.1); short protein forms S340T, S875T, S876T, S901T, S924T, S925T.
Identifiers: ClinVar variation 1437133 (VCV001437133.8), dbSNP rs2144770348, ClinGen allele CA394735019.